The following is an entry in ClinVar:

ClinVar aggregate classification (germline): Uncertain significance (1 of 4 stars; one submission).

Allele frequency attached by ClinVar (database versions not stated): TOPMed below 0.00001; gnomAD 0.00001; ExAC 0.00002; gnomAD exomes 0.00002.
gnomAD v4.1: 27 of 1,613,664 alleles (0.0017%); highest among the groups gnomAD compares: East Asian, 0.0089%; no homozygotes.

Submission:

Labcorp Genetics (formerly Invitae), Labcorp
Classification: Uncertain significance. Last evaluated: 2025-10-11. Review status: criteria provided, single submitter. Criteria: Invitae Variant Classification Sherloc (09022015). Collection method: clinical testing. Allele origin: germline.
Comment: This sequence change replaces arginine, which is basic and polar, with glutamine, which is neutral and polar, at codon 1334 of the DUOX2 protein (p.Arg1334Gln). This variant is present in population databases (rs781160106, gnomAD 0.006%). This variant has not been reported in the literature in individuals affected with DUOX2-related conditions. ClinVar contains an entry for this variant (Variation ID: 1345322). Invitae Evidence Modeling of protein sequence and biophysical properties (such as structural, functional, and spatial information, amino acid conservation, physicochemical variation, residue mobility, and thermodynamic stability) indicates that this missense variant is expected to disrupt DUOX2 protein function with a positive predictive value of 80%. In summary, the available evidence is currently insufficient to determine the role of this variant in disease. Therefore, it has been classified as a Variant of Uncertain Significance.

NM_001363711.2(DUOX2):c.4001G>A (p.Arg1334Gln)

Gene: DUOX2 (dual oxidase 2; minus strand). Cytogenetic location: 15q21.1.
Variant type: single nucleotide variant.
Coding change: c.4001G>A on transcript NM_001363711.2 (MANE Select); coding-DNA position 4001, G replaced by A.
Protein change: p.Arg1334Gln; replaces arginine 1334 with glutamine.
Molecular consequence: missense variant.
Genome position (GRCh38, 1-based): chr15:45,095,907, C>T on the plus strand (G>A on the coding strand, the complement: DUOX2 is on the minus strand). VCF-style: chr15-45095907-C-T. GRCh37 (hg19) VCF-style: chr15-45388105-C-T.
Other names: c.4001G>A, p.Arg1334Gln (NM_014080.5); short protein forms R1334Q.
Identifiers: ClinVar variation 1345322 (VCV001345322.2), dbSNP rs781160106, ClinGen allele CA7537669.